The following is an entry in ClinVar:

ClinVar aggregate classification (germline): Uncertain significance (1 of 4 stars; one submission).

Allele frequency attached by ClinVar (database versions not stated): gnomAD exomes below 0.00001 and 0.00001; ExAC 0.00001.
gnomAD v4.1: 3 of 1,613,968 alleles (0.00019%); highest among the groups gnomAD compares: South Asian, 0.0033%; no homozygotes.

Submission:

Labcorp Genetics (formerly Invitae), Labcorp
Classification: Uncertain significance. Last evaluated: 2021-11-06. Review status: criteria provided, single submitter. Criteria: Invitae Variant Classification Sherloc (09022015). Collection method: clinical testing. Allele origin: germline.
Comment: Algorithms developed to predict the effect of missense changes on protein structure and function are either unavailable or do not agree on the potential impact of this missense change (SIFT: "Tolerated"; PolyPhen-2: "Possibly Damaging"; Align-GVGD: "Class C0"). This variant has not been reported in the literature in individuals affected with TTC37-related conditions. This variant is present in population databases (rs769020651, gnomAD 0.003%). This sequence change replaces alanine, which is neutral and non-polar, with valine, which is neutral and non-polar, at codon 1418 of the TTC37 protein (p.Ala1418Val). In summary, the available evidence is currently insufficient to determine the role of this variant in disease. Therefore, it has been classified as a Variant of Uncertain Significance.

NM_014639.4(SKIC3):c.4253C>T (p.Ala1418Val)

Gene: SKIC3 (SKI3 subunit of superkiller complex; minus strand). Cytogenetic location: 5q15.
Variant type: single nucleotide variant.
Coding change: c.4253C>T on transcript NM_014639.4 (MANE Select); coding-DNA position 4253, C replaced by T.
Protein change: p.Ala1418Val; replaces alanine 1418 with valine.
Molecular consequence: missense variant.
Genome position (GRCh38, 1-based): chr5:95,478,402, G>A on the plus strand (C>T on the coding strand, the complement: SKIC3 is on the minus strand). VCF-style: chr5-95478402-G-A. GRCh37 (hg19) VCF-style: chr5-94814106-G-A.
Other names: short protein forms A1418V.
Identifiers: ClinVar variation 1493525 (VCV001493525.6), dbSNP rs769020651, ClinGen allele CA3346445.